The following is an entry in ClinVar:

ClinVar aggregate classification (germline): Pathogenic (1 of 4 stars; one submission).

Submission:

CeGaT Center for Human Genetics Tuebingen
Classification: Pathogenic. Last evaluated: 2022-12-01. Review status: criteria provided, single submitter. Criteria: CeGaT Center For Human Genetics Tuebingen Variant Classification Criteria Version 2. Collection method: clinical testing. Allele origin: germline. Affected: yes. Observed: 1 variant allele.
Comment: KIF14: PVS1, PM2

NM_014875.3(KIF14):c.521_522del (p.Phe174fs)

Gene: KIF14 (kinesin family member 14; minus strand). Cytogenetic location: 1q32.1.
Variant type: Deletion.
Coding change: c.521_522del on transcript NM_014875.3 (MANE Select); coding-DNA positions 521 to 522, 2 bases deleted (TT; older notation c.521_522delTT).
Protein change: p.Phe174fs; shifts the reading frame from phenylalanine 174.
Molecular consequence: frameshift variant. On other transcripts: 5 prime UTR variant (1).
Genome position (GRCh38, 1-based): chr1:200,618,202-200,618,203, AA deleted on the plus strand (TT on the coding strand, the reverse complement: KIF14 is on the minus strand); deleting any 2 consecutive bases within chr1:200,618,202-200,618,205 gives the same sequence; the c. name uses the placement nearest the transcript's 3' end. VCF-style (leftmost placement, unchanged base first): chr1-200618201-CAA-C. GRCh37 (hg19) VCF-style: chr1-200587329-CAA-C.
Other names: c.-865_-864del (NM_001305792.1); short protein forms F174fs.
Identifiers: ClinVar variation 2639725 (VCV002639725.24), dbSNP rs748510599, ClinGen allele CA1318011.